The following is an entry in ClinVar:

NM_019042.5(PUS7):c.921-5dup

Gene: PUS7 (pseudouridine synthase 7; minus strand). Cytogenetic location: 7q22.3.
Variant type: Duplication.
Coding change: c.921-5dup on transcript NM_019042.5 (MANE Select); 5 bases into the intron before coding-DNA position 921, one base duplicated (T; older notation c.921-5dupT).
Molecular consequence: intron variant.
Genome position (GRCh38, 1-based): chr7:105,482,445, A duplicated on the plus strand (T on the coding strand, the reverse complement: PUS7 is on the minus strand); the first of 16 consecutive A bases (chr7:105,482,445-105,482,460); duplicating any one gives the same sequence. VCF-style (leftmost placement, unchanged base first): chr7-105482444-T-TA. GRCh37 (hg19) VCF-style: chr7-105122891-T-TA.
Other names: c.939-5dup (NM_001318163.1); c.921-5dup (NM_001318164.2); c.939-5dupT (NM_001318163.1).
Identifiers: ClinVar variation 3041284 (VCV003041284.2), dbSNP rs57080279, ClinGen allele CA4426015.

ClinVar aggregate classification (germline): Benign (0 of 4 stars; one submission).

Conditions:
PUS7-related disorder. Also called: PUS7-related condition.

Submission:

PreventionGenetics, part of Exact Sciences
Classification: Benign for PUS7-related condition. Last evaluated: 2019-06-27. Review status: no assertion criteria provided. Collection method: clinical testing. Allele origin: germline.
Comment: This variant is classified as benign based on ACMG/AMP sequence variant interpretation guidelines (Richards et al. 2015 PMID: 25741868, with internal and published modifications).